The following is an entry in ClinVar:

ClinVar aggregate classification (germline): Uncertain significance. Review status: criteria provided, single submitter (1 of 4 stars). 2 submissions from 2 submitters: Uncertain significance (1). 1 of the submissions does not count toward it. Last evaluated 2025-03-01.

Conditions:
Familial long QT syndrome (RWS). Also called: Congenital long QT syndrome; Romano-Ward syndrome; VENTRICULAR FIBRILLATION WITH PROLONGED QT INTERVAL. Identifiers: Orphanet 768, MedGen C1141890, MONDO:0019171.

gnomAD v4.1: 2 of 1,565,202 alleles (0.00013%); highest among the groups gnomAD compares: South Asian, 0.0012%; no homozygotes.

Submissions (2):

CeGaT Center for Human Genetics Tuebingen
Classification: Uncertain significance. Last evaluated: 2025-03-01. Review status: criteria provided, single submitter. Criteria: CeGaT Center For Human Genetics Tuebingen Variant Classification Criteria Version 2. Collection method: clinical testing. Allele origin: germline. Affected: yes. Observed: 1 variant allele.
Comment: KCNH2: PM2, PS4:Supporting

Cardiovascular Biomedical Research Unit, Royal Brompton & Harefield NHS Foundation Trust
No classification provided. Condition: Familial long QT syndrome. Review status: no classification provided. Collection method: literature only. Allele origin: germline. Not counted in ClinVar's aggregate classification.
Comment: This variant has been reported as associated with Long QT syndrome in the following publications (PMID:20541041). This is a literature report, and does not necessarily reflect the clinical interpretation of the Imperial College / Royal Brompton Cardiovascular Genetics laboratory.

Literature cited by the submitters: PubMed 20541041 (cited by Cardiovascular Biomedical Research Unit, Royal Brompton & Harefield NHS Foundation Trust); PubMed 22581653 (cited by Cardiovascular Biomedical Research Unit, Royal Brompton & Harefield NHS Foundation Trust).

NM_000238.4(KCNH2):c.2842C>A (p.Arg948Ser)

Gene: KCNH2 (potassium voltage-gated channel subfamily H member 2; minus strand). Cytogenetic location: 7q36.1.
Variant type: single nucleotide variant.
Coding change: c.2842C>A on transcript NM_000238.4 (MANE Select); coding-DNA position 2842, C replaced by A.
Protein change: p.Arg948Ser; replaces arginine 948 with serine.
Molecular consequence: missense variant.
Genome position (GRCh38, 1-based): chr7:150,947,729, G>T on the plus strand (C>A on the coding strand, the complement: KCNH2 is on the minus strand). VCF-style: chr7-150947729-G-T. GRCh37 (hg19) VCF-style: chr7-150644817-G-T.
Other names: c.2842C>A (LRG_288t1); c.1822C>A, p.Arg608Ser (NM_172057.3); short protein forms R608S, R948S.
Identifiers: ClinVar variation 67442 (VCV000067442.8), dbSNP rs121912514, ClinGen allele CA007486.
Genomic context (GRCh38, chr7:150,947,729, plus strand): 5'-GCGGCTCTCCGGGGGGCCTGGGGCTGGAGAAGGGCACCAGGCGGAGGGGGCTGGAGCTGC[G>T]GCCTGGGCCCTCATCCTCACTGCTCTCAGGGCTGGAGGGGCCACTGGACGGGCTCTCCCC-3'
Protein context (NP_000229.1, residues 938-958): PESSEDEGPG[Arg948Ser]SSSPLRLVPF